The following is an entry in ClinVar:

NM_000052.7(ATP7A):c.1640G>A (p.Arg547Gln)

Gene: ATP7A (ATPase copper transporting alpha; plus strand). Cytogenetic location: Xq21.1.
Variant type: single nucleotide variant.
Coding change: c.1640G>A on transcript NM_000052.7 (MANE Select); coding-DNA position 1640, G replaced by A.
Protein change: p.Arg547Gln; replaces arginine 547 with glutamine.
Molecular consequence: missense variant.
Genome position (GRCh38, 1-based): chrX:78,003,169, G>A. VCF-style: chrX-78003169-G-A. GRCh37 (hg19) VCF-style: chrX-77258666-G-A.
Other names: c.1640G>A, p.Arg547Gln (NM_001282224.2); short protein forms R547Q.
Identifiers: ClinVar variation 4792025 (VCV004792025.1).

ClinVar aggregate classification (germline): Uncertain significance (1 of 4 stars; one submission).

Conditions:
Menkes kinky-hair syndrome (MNK). Also called: Classic Menkes Disease; Copper transport disease; Menkes Disease. Identifiers: Orphanet 565, MedGen C0022716, MONDO:0010651, OMIM 309400.
Cutis laxa, X-linked (OHS). Also called: EDS IX; Occipital horn syndrome. Identifiers: Orphanet 198, MedGen C0268353, MONDO:0010572, OMIM 304150.
X-linked distal spinal muscular atrophy type 3. Also called: ATP7A-Related Distal Motor Neuropathy; SPINAL MUSCULAR ATROPHY, DISTAL, X-LINKED RECESSIVE; NEURONOPATHY, DISTAL HEREDITARY MOTOR, X-LINKED; NEUROPATHY, DISTAL HEREDITARY MOTOR, X-LINKED. Identifiers: Orphanet 139557, MedGen C1845359, MONDO:0010338, OMIM 300489.

gnomAD v4.1: 12 of 1,210,053 alleles (0.00099%); highest among the groups gnomAD compares: Non-Finnish European, 0.0013%; no homozygotes.

Submission:

Labcorp Genetics (formerly Invitae), Labcorp
Classification: Uncertain significance for X-linked distal spinal muscular atrophy type 3; Cutis laxa, X-linked; Menkes kinky-hair syndrome. Last evaluated: 2025-08-23. Review status: criteria provided, single submitter. Criteria: Invitae Variant Classification Sherloc (09022015). Collection method: clinical testing. Allele origin: germline.
Comment: This sequence change replaces arginine, which is basic and polar, with glutamine, which is neutral and polar, at codon 547 of the ATP7A protein (p.Arg547Gln). This variant is not present in population databases (gnomAD no frequency). This variant has not been reported in the literature in individuals affected with ATP7A-related conditions. Invitae Evidence Modeling of protein sequence and biophysical properties (such as structural, functional, and spatial information, amino acid conservation, physicochemical variation, residue mobility, and thermodynamic stability) indicates that this missense variant is not expected to disrupt ATP7A protein function with a negative predictive value of 95%. In summary, the available evidence is currently insufficient to determine the role of this variant in disease. Therefore, it has been classified as a Variant of Uncertain Significance.